The following is an entry in ClinVar:

NM_004448.4(ERBB2):c.3662A>G (p.Tyr1221Cys)

Gene: ERBB2 (erb-b2 receptor tyrosine kinase 2; plus strand). Cytogenetic location: 17q12.
Variant type: single nucleotide variant.
Coding change: c.3662A>G on transcript NM_004448.4 (MANE Select); coding-DNA position 3662, A replaced by G.
Protein change: p.Tyr1221Cys; replaces tyrosine 1221 with cysteine.
Molecular consequence: missense variant. On other transcripts: 3 prime UTR variant (2), non-coding transcript variant (1).
Genome position (GRCh38, 1-based): chr17:39,727,938, A>G. VCF-style: chr17-39727938-A-G. GRCh37 (hg19) VCF-style: chr17-37884191-A-G.
Other names: c.3572A>G, p.Tyr1191Cys (NM_001005862.3, NM_001382782.1, NM_001382783.1); c.3617A>G, p.Tyr1206Cys (NM_001289936.2); c.*241A>G (NM_001289937.2, NM_001382803.1); c.3779A>G, p.Tyr1260Cys (NM_001382784.1); c.3764A>G, p.Tyr1255Cys (NM_001382785.1); c.3743A>G, p.Tyr1248Cys (NM_001382786.1); c.3737A>G, p.Tyr1246Cys (NM_001382787.1); c.3692A>G, p.Tyr1231Cys (NM_001382788.1); and 16 more; short protein forms Y1135C, Y1192C, Y1206C, Y1220C, Y1221C, Y1228C, Y1231C, Y1188C.
Identifiers: ClinVar variation 1037902 (VCV001037902.9), dbSNP rs568793816, ClinGen allele CA8534596.

ClinVar aggregate classification (germline): Uncertain significance (1 of 4 stars; one submission).

Allele frequency attached by ClinVar (database versions not stated): gnomAD below 0.00001 and 0.00001; TOPMed below 0.00001; gnomAD exomes 0.00001 and 0.00002; ExAC 0.00003; 1000 Genomes Project 0.00020; 1000 Genomes Project 30x 0.00031.
gnomAD v4.1: 12 of 1,614,056 alleles (0.00074%); highest among the groups gnomAD compares: South Asian, 0.0044%; no homozygotes.

Submission:

Labcorp Genetics (formerly Invitae), Labcorp
Classification: Uncertain significance. Last evaluated: 2022-03-07. Review status: criteria provided, single submitter. Criteria: Invitae Variant Classification Sherloc (09022015). Collection method: clinical testing. Allele origin: germline.
Comment: In summary, the available evidence is currently insufficient to determine the role of this variant in disease. Therefore, it has been classified as a Variant of Uncertain Significance. Algorithms developed to predict the effect of missense changes on protein structure and function are either unavailable or do not agree on the potential impact of this missense change (SIFT: "Tolerated"; PolyPhen-2: "Probably Damaging"; Align-GVGD: "Class C0"). ClinVar contains an entry for this variant (Variation ID: 1037902). This missense change has been observed in individual(s) with breast cancer (PMID: 29072371). This variant is present in population databases (rs568793816, gnomAD 0.007%). This sequence change replaces tyrosine, which is neutral and polar, with cysteine, which is neutral and slightly polar, at codon 1221 of the ERBB2 protein (p.Tyr1221Cys).

Literature cited by the submitters: PubMed 29072371.